The following is an entry in ClinVar:

NM_005263.5(GFI1):c.362C>A (p.Pro121Gln)

Gene: GFI1 (growth factor independent 1 transcriptional repressor; minus strand). Cytogenetic location: 1p22.1.
Variant type: single nucleotide variant.
Coding change: c.362C>A on transcript NM_005263.5 (MANE Select); coding-DNA position 362, C replaced by A.
Protein change: p.Pro121Gln; replaces proline 121 with glutamine.
Molecular consequence: missense variant.
Genome position (GRCh38, 1-based): chr1:92,481,025, G>T on the plus strand (C>A on the coding strand, the complement: GFI1 is on the minus strand). VCF-style: chr1-92481025-G-T. GRCh37 (hg19) VCF-style: chr1-92946582-G-T.
Other names: c.362C>A, p.Pro121Gln (NM_001127215.3, NM_001127216.3); short protein forms P121Q.
Identifiers: ClinVar variation 4824847 (VCV004824847.1).

ClinVar aggregate classification (germline): Uncertain significance (1 of 4 stars; one submission).

gnomAD v4.1: 1 of 1,611,944 alleles (0.000062%); highest among the groups gnomAD compares: African/African-American, 0.0013%; no homozygotes.

Submission:

Ambry Genetics
Classification: Uncertain significance. Last evaluated: 2026-01-25. Review status: criteria provided, single submitter. Criteria: Ambry Variant Classification Scheme 2023. Collection method: clinical testing. Allele origin: germline.
Comment: The p.P121Q variant (also known as c.362C>A), located in coding exon 3 of the GFI1 gene, results from a C to A substitution at nucleotide position 362. The proline at codon 121 is replaced by glutamine, an amino acid with similar properties. This amino acid position is conserved. In addition, this alteration is predicted to be tolerated by in silico analysis. Based on the available evidence, the clinical significance of this variant remains unclear.